The following is an entry in ClinVar:

ClinVar aggregate classification (germline): Uncertain significance (1 of 4 stars; one submission).

gnomAD v4.1: 1 of 1,613,998 alleles (0.000062%); highest among the groups gnomAD compares: Non-Finnish European, 0.000085%; no homozygotes.

Submission:

GeneDx
Classification: Uncertain significance. Last evaluated: 2024-03-18. Review status: criteria provided, single submitter. Criteria: GeneDx Variant Classification Process June 2021. Collection method: clinical testing. Allele origin: germline. Affected: yes.
Comment: Not observed at significant frequency in large population cohorts (gnomAD); In silico analysis is inconclusive as to whether the variant alters gene splicing. In the absence of RNA/functional studies, the actual effect of this sequence change is unknown.; Has not been previously published as pathogenic or benign to our knowledge

NM_001386135.1(AFF3):c.486A>C (p.Ala162=)

Gene: AFF3 (ALF transcription elongation factor 3; minus strand). Cytogenetic location: 2q11.2.
Variant type: single nucleotide variant.
Coding change: c.486A>C on transcript NM_001386135.1 (MANE Select); coding-DNA position 486, A replaced by C.
Protein change: p.Ala162=; no amino-acid change (alanine 162 retained).
Molecular consequence: synonymous variant.
Genome position (GRCh38, 1-based): chr2:100,007,149, T>G on the plus strand (A>C on the coding strand, the complement: AFF3 is on the minus strand). VCF-style: chr2-100007149-T-G. GRCh37 (hg19) VCF-style: chr2-100623611-T-G.
Other names: c.561A>C, p.Ala187= (NM_001025108.2); c.486A>C, p.Ala162= (NM_002285.3).
Identifiers: ClinVar variation 3370527 (VCV003370527.1).
Genomic context (GRCh38, chr2:100,007,149, plus strand): 5'-TATAGTTCTCTGGGTTTTAGCAGATTTGTGCAAATCAAGCAACCTGTGCCTGTGCTTACT[T>G]GCTCTCTGTTGGCCGTCAGAGGGTGGGTGCCCAGCCTTCTGCCAGCCCATAGTGCCTCTC-3'
Protein context (NP_001373064.1, residues 152-172): GHPPSDGQQR[Ala162=]TQQGSLRTLL